The following is an entry in ClinVar:

ClinVar aggregate classification (germline): Uncertain significance. Review status: criteria provided, multiple submitters, no conflicts (2 of 4 stars). 2 submissions from 2 submitters: Uncertain significance (2). Last evaluated 2025-08-03.

Conditions:
Ataxia-telangiectasia syndrome (AT). Also called: Ataxia-telangiectasia, complementation group D; AT, COMPLEMENTATION GROUP C; ATAXIA-TELANGIECTASIA, COMPLEMENTATION GROUP A; ATAXIA-TELANGIECTASIA, FRESNO VARIANT; Ataxia-telangiectasia; LOUIS-BAR SYNDROME. Identifiers: Orphanet 100, MedGen C0004135, MONDO:0008840, OMIM 208900.
Hereditary cancer-predisposing syndrome. Also called: Neoplastic Syndromes, Hereditary; Tumor predisposition; Hereditary neoplastic syndrome; Hereditary Cancer Syndrome. Identifiers: Orphanet 140162, MedGen C0027672, MeSH D009386, MONDO:0015356.

Submissions (2):

Ambry Genetics
Classification: Uncertain significance for Hereditary cancer-predisposing syndrome. Last evaluated: 2025-08-03. Review status: criteria provided, single submitter. Criteria: Ambry Variant Classification Scheme 2023. Collection method: clinical testing. Allele origin: germline.
Comment: The p.P960S variant (also known as c.2878C>T), located in coding exon 18 of the ATM gene, results from a C to T substitution at nucleotide position 2878. The proline at codon 960 is replaced by serine, an amino acid with similar properties. This amino acid position is not well conserved in available vertebrate species. In addition, this alteration is predicted to be tolerated by in silico analysis. Since supporting evidence is limited at this time, the clinical significance of this alteration remains unclear.

Labcorp Genetics (formerly Invitae), Labcorp
Classification: Uncertain significance for Ataxia-telangiectasia syndrome. Last evaluated: 2023-11-24. Review status: criteria provided, single submitter. Criteria: Invitae Variant Classification Sherloc (09022015). Collection method: clinical testing. Allele origin: germline.
Comment: This sequence change replaces proline, which is neutral and non-polar, with serine, which is neutral and polar, at codon 960 of the ATM protein (p.Pro960Ser). This variant is not present in population databases (gnomAD no frequency). This variant has not been reported in the literature in individuals affected with ATM-related conditions. ClinVar contains an entry for this variant (Variation ID: 1797123). Algorithms developed to predict the effect of missense changes on protein structure and function output the following: SIFT: "Not Available"; PolyPhen-2: "Benign"; Align-GVGD: "Not Available". The serine amino acid residue is found in multiple mammalian species, which suggests that this missense change does not adversely affect protein function. In summary, the available evidence is currently insufficient to determine the role of this variant in disease. Therefore, it has been classified as a Variant of Uncertain Significance.

NM_000051.4(ATM):c.2878C>T (p.Pro960Ser)

Gene: ATM (ATM serine/threonine kinase; plus strand). Cytogenetic location: 11q22.3.
Variant type: single nucleotide variant.
Coding change: c.2878C>T on transcript NM_000051.4 (MANE Select); coding-DNA position 2878, C replaced by T.
Protein change: p.Pro960Ser; replaces proline 960 with serine.
Molecular consequence: missense variant.
Genome position (GRCh38, 1-based): chr11:108,271,103, C>T. VCF-style: chr11-108271103-C-T. GRCh37 (hg19) VCF-style: chr11-108141830-C-T.
Other names: c.2878C>T, p.Pro960Ser (NM_001351834.2); short protein forms P960S.
Identifiers: ClinVar variation 1797123 (VCV001797123.6), dbSNP rs876659412, ClinGen allele CA228409299.
Genomic context (GRCh38, chr11:108,271,103, plus strand): 5'-TTTTCCCTCCTACCATCTTAGTATCTAATGCTTTTAAAGGAGCTTCCTGGAGAAGAGTAC[C>T]CCTTGCCAATGGAAGATGTTCTTGAACTTCTGAAACCACTATCGTAAGAAATTAAAACCT-3'
Protein context (NP_000042.3, residues 950-970): LLKELPGEEY[Pro960Ser]LPMEDVLELL